The following is an entry in ClinVar:

NM_005159.5(ACTC1):c.623G>A (p.Arg208His)

Genes: GJD2-DT (GJD2 divergent transcript; plus strand), ACTC1 (actin alpha cardiac muscle 1; minus strand). Cytogenetic location: 15q14.
Variant type: single nucleotide variant.
Coding change: c.623G>A on transcript NM_005159.5 (MANE Select); coding-DNA position 623, G replaced by A.
Protein change: p.Arg208His; replaces arginine 208 with histidine.
Molecular consequence: missense variant.
Genome position (GRCh38, 1-based): chr15:34,792,275, C>T on the plus strand (G>A on the coding strand, the complement: ACTC1 is on the minus strand). VCF-style: chr15-34792275-C-T. GRCh37 (hg19) VCF-style: chr15-35084476-C-T.
Other names: c.623G>A (LRG_388t1); short protein forms R208H.
Identifiers: ClinVar variation 520473 (VCV000520473.27), dbSNP rs142839840, ClinGen allele CA042407.

ClinVar aggregate classification (germline): Uncertain significance. Review status: criteria provided, multiple submitters, no conflicts (2 of 4 stars). 9 submissions from 9 submitters: Uncertain significance (7). 2 of the submissions do not count toward it. Last evaluated 2026-04-20.

Conditions:
ACTC1-related disorder. Also called: ACTC1-related condition.
Cardiovascular phenotype. Identifiers: MedGen CN230736.
Hypertrophic cardiomyopathy. Also called: HYPERTROPHIC MYOCARDIOPATHY. Identifiers: Orphanet 217569, MedGen C0007194, MeSH D002312, MONDO:0005045, HP:0001639.
Atrial septal defect 5 (ASD5). Identifiers: Orphanet 1478, MedGen C2748552, MONDO:0013011, OMIM 612794.
Dilated cardiomyopathy 1R (CMD1R). Identifiers: Orphanet 154, Orphanet 54260, MedGen C3150681, MONDO:0013261, OMIM 613424.
Hypertrophic cardiomyopathy 11. Also called: ACTC1-Related Familial Hypertrophic Cardiomyopathy. Identifiers: MedGen C2677506, MONDO:0012799, OMIM 612098.
Left ventricular noncompaction 1 (LVNC1). Also called: LEFT VENTRICULAR NONCOMPACTION 1 WITH OR WITHOUT CONGENITAL HEART DEFECTS. Identifiers: Orphanet 54260, MedGen C1858725, MONDO:0011403, OMIM 604169.
Cardiomyopathy (CMYO). Also called: Cardiomyopathies. Identifiers: Orphanet 167848, MedGen C0878544, MONDO:0004994, HP:0001638. Inheritance: Various modes of inheritance.

Allele frequency attached by ClinVar (database versions not stated): TOPMed 0.00001; gnomAD exomes 0.00002 and 0.00004; ExAC 0.00004; ESP Exome Variant Server 0.00023.
gnomAD v4.1: 11 of 1,614,186 alleles (0.00068%); highest among the groups gnomAD compares: Admixed American, 0.0083%; no homozygotes.

Submissions (9):

PreventionGenetics, part of Exact Sciences
Classification: Uncertain significance for ACTC1-related condition. Last evaluated: 2026-04-20. Review status: criteria provided, single submitter. Criteria: ACMG Guidelines, 2015. Collection method: clinical testing. Allele origin: germline.
Comment: The ACTC1 c.623G>A variant is predicted to result in the amino acid substitution p.Arg208His. This variant has been reported in individuals with dilated cardiomyopathy or left ventricular noncompaction; however, the pathogenicity was not established (Table S1, Dal Ferro et al. 2017. PubMed ID: 28416588; Table S3, Miszalski-Jamka et al. 2017. PubMed ID: 28798025; Richard et al. 2018. PubMed ID: 30471092; Table S4, Verdonschot et al. 2020. PubMed ID: 32880476; Table S2, Cambon-Viala et al. 2021. PubMed ID: 34088380). This variant is reported in 0.012% of alleles in individuals of Latino descent in gnomAD and is interpreted as uncertain in ClinVar (Variation ID: 520473). A different nucleotide substitution affecting the same amino acid (p.Arg208Cys) has been reported in an individual with left ventricular noncompaction (Table S2, Mazzarotto et al. 2021. PubMed ID: 33500567). At this time, the clinical significance of the c.623G>A (p.Arg208His) variant is uncertain due to the absence of conclusive functional and genetic evidence.

GeneDx
Classification: Uncertain significance. Last evaluated: 2025-01-06. Review status: criteria provided, single submitter. Criteria: GeneDx Variant Classification Process June 2021. Collection method: clinical testing. Allele origin: germline. Affected: yes.
Comment: Has been reported in association with DCM and LVNC in published literature (PMID: 28416588, 28798025, 30471092, 32880476, 34088380, 34935411); In silico analysis supports that this missense variant has a deleterious effect on protein structure/function; This variant is associated with the following publications: (PMID: 28798025, 28416588, 34088380, 37937776, 30471092, 32880476, 34935411)

All of Us Research Program, National Institutes of Health
Classification: Uncertain significance for Hypertrophic cardiomyopathy. Last evaluated: 2024-01-08. Review status: criteria provided, single submitter. Criteria: ACMG Guidelines, 2015. Collection method: clinical testing. Allele origin: germline. Inheritance: Autosomal dominant inheritance. Observed: 4 variant alleles, 4 heterozygotes.
Comment: This missense variant replaces arginine with histidine at codon 208 of the ACTC1 protein. Computational prediction is inconclusive regarding the impact of this variant on protein structure and function (internally defined REVEL score threshold 0.5 < inconclusive < 0.7, PMID: 27666373). To our knowledge, functional studies have not been reported for this variant. This variant has been reported in four individuals affected with dilated cardiomyopathy (PMID: 28416588, 30847666, 32880476 and 34935411) and two individuals affected with left ventricular non-compaction (PMID: 28798025, 30471092). This variant has been identified in 10/251470 chromosomes in the general population by the Genome Aggregation Database (gnomAD). The available evidence is insufficient to determine the role of this variant in disease conclusively. Therefore, this variant is classified as a Variant of Uncertain Significance.

This study involves interpretation of variants in research participants for the purpose of population health screening. Participant phenotype was not available at the time of variant classification. Additional details can be found in publication PMID: 35346344, PMCID: PMC8962531

Color Diagnostics, LLC DBA Color Health
Classification: Uncertain significance for Cardiomyopathy. Last evaluated: 2023-10-26. Review status: criteria provided, single submitter. Criteria: ACMG Guidelines, 2015. Collection method: clinical testing. Allele origin: germline.
Comment: This missense variant replaces arginine with histidine at codon 208 of the ACTC1 protein. Computational prediction is inconclusive regarding the impact of this variant on protein structure and function (internally defined REVEL score threshold 0.5 < inconclusive < 0.7, PMID: 27666373). To our knowledge, functional studies have not been reported for this variant. This variant has been reported in four individuals affected with dilated cardiomyopathy (PMID: 28416588, 30847666, 32880476 and 34935411) and two individuals affected with left ventricular non-compaction (PMID: 28798025, 30471092). This variant has been identified in 10/251470 chromosomes in the general population by the Genome Aggregation Database (gnomAD). The available evidence is insufficient to determine the role of this variant in disease conclusively. Therefore, this variant is classified as a Variant of Uncertain Significance.

Labcorp Genetics (formerly Invitae), Labcorp
Classification: Uncertain significance for Dilated cardiomyopathy 1R; Hypertrophic cardiomyopathy 11; Atrial septal defect 5. Last evaluated: 2022-10-29. Review status: criteria provided, single submitter. Criteria: Invitae Variant Classification Sherloc (09022015). Collection method: clinical testing. Allele origin: germline.
Comment: In summary, the available evidence is currently insufficient to determine the role of this variant in disease. Therefore, it has been classified as a Variant of Uncertain Significance. Advanced modeling of protein sequence and biophysical properties (such as structural, functional, and spatial information, amino acid conservation, physicochemical variation, residue mobility, and thermodynamic stability) performed at Invitae indicates that this missense variant is not expected to disrupt ACTC1 protein function. ClinVar contains an entry for this variant (Variation ID: 520473). This missense change has been observed in individual(s) with dilated cardiomyopathy or left ventricular noncompaction cardiomyopathy (PMID: 28416588, 28798025, 30471092, 32880476, 34088380). This variant is present in population databases (rs142839840, gnomAD 0.01%). This sequence change replaces arginine, which is basic and polar, with histidine, which is basic and polar, at codon 208 of the ACTC1 protein (p.Arg208His).

Ambry Genetics
Classification: Uncertain significance for Cardiovascular phenotype. Last evaluated: 2022-07-27. Review status: criteria provided, single submitter. Criteria: Ambry Variant Classification Scheme 2023. Collection method: clinical testing. Allele origin: germline.
Comment: The p.R208H variant (also known as c.623G>A), located in coding exon 4 of the ACTC1 gene, results from a G to A substitution at nucleotide position 623. The arginine at codon 208 is replaced by histidine, an amino acid with highly similar properties. This alteration has been reported in cardiomyopathy cohorts, including dilated cardiomyopathy (DCM), left ventricular non-compaction (LVNC), and pediatric cardiomyopathy cohorts; however, clinical details were limited, and additional cardiac variants were detected in some cases (Dal Ferro M et al. Heart, 2017 11;103:1704-1710; Miszalski-Jamka K et al. Circ Cardiovasc Genet, 2017 Aug;10:[ePub ahead of print]; Richard P et al. Clin Genet, 2019 03;95:356-367; van Lint FHM et al. Neth Heart J, 2019 Jun;27:304-309; Verdonschot JAJ et al. Circ Genom Precis Med, 2020 10;13:476-487; Cambon-Viala M et al. J Card Fail, 2021 06;27:677-681; Khan RS et al. J Am Heart Assoc, 2022 01;11:e022854). This amino acid position is highly conserved in available vertebrate species. In addition, the in silico prediction for this alteration is inconclusive. Since supporting evidence is limited at this time, the clinical significance of this alteration remains unclear.

Molecular Diagnostic Laboratory for Inherited Cardiovascular Disease, Montreal Heart Institute
Classification: Uncertain significance. Last evaluated: 2017-03-31. Review status: criteria provided, single submitter. Criteria: ACMG Guidelines, 2015. Collection method: clinical testing. Allele origin: germline. Affected: yes.

Clinical Genetics, Academic Medical Center
Classification: Uncertain significance. Review status: no assertion criteria provided. Collection method: clinical testing. Allele origin: germline. Affected: yes. Study: VKGL Data-share Consensus. Not counted in ClinVar's aggregate classification.

Joint Genome Diagnostic Labs from Nijmegen and Maastricht, Radboudumc and MUMC+
Classification: Uncertain significance. Review status: no assertion criteria provided. Collection method: clinical testing. Allele origin: germline. Affected: yes. Study: VKGL Data-share Consensus. Not counted in ClinVar's aggregate classification.

Literature cited by the submitters: PubMed 28416588 (cited by 4 submitters); PubMed 28798025 (cited by 4 submitters); PubMed 30471092 (cited by 4 submitters); PubMed 30847666 (cited by 3 submitters); PubMed 32880476 (cited by 4 submitters); PubMed 34935411 (cited by Color Diagnostics, LLC DBA Color Health and Ambry Genetics); PubMed 34088380 (cited by Labcorp Genetics (formerly Invitae), Labcorp and Ambry Genetics).